The following is an entry in ClinVar:

ClinVar aggregate classification (germline): Uncertain significance (1 of 4 stars; one submission).

Allele frequency attached by ClinVar (database versions not stated): TOPMed below 0.00001.
gnomAD v4.1: 26 of 1,614,050 alleles (0.0016%); highest among the groups gnomAD compares: Non-Finnish European, 0.0022%; no homozygotes.

Submission:

Labcorp Genetics (formerly Invitae), Labcorp
Classification: Uncertain significance. Last evaluated: 2021-08-12. Review status: criteria provided, single submitter. Criteria: Invitae Variant Classification Sherloc (09022015). Collection method: clinical testing. Allele origin: germline.
Comment: In summary, the available evidence is currently insufficient to determine the role of this variant in disease. Therefore, it has been classified as a Variant of Uncertain Significance. Algorithms developed to predict the effect of missense changes on protein structure and function are either unavailable or do not agree on the potential impact of this missense change (SIFT: "Tolerated"; PolyPhen-2: "Possibly Damaging"; Align-GVGD: "Class C0"). This variant has not been reported in the literature in individuals affected with PDP1-related conditions. This variant is present in population databases (rs541907484, ExAC 0.001%). This sequence change replaces phenylalanine with leucine at codon 200 of the PDP1 protein (p.Phe200Leu). The phenylalanine residue is highly conserved and there is a small physicochemical difference between phenylalanine and leucine.

NM_018444.4(PDP1):c.600T>A (p.Phe200Leu)

Gene: PDP1 (pyruvate dehydrogenase phosphatase catalytic subunit 1; plus strand). Cytogenetic location: 8q22.1.
Variant type: single nucleotide variant.
Coding change: c.600T>A on transcript NM_018444.4 (MANE Select); coding-DNA position 600, T replaced by A.
Protein change: p.Phe200Leu; replaces phenylalanine 200 with leucine.
Molecular consequence: missense variant.
Genome position (GRCh38, 1-based): chr8:93,922,659, T>A. VCF-style: chr8-93922659-T-A. GRCh37 (hg19) VCF-style: chr8-94934887-T-A.
Other names: c.675T>A, p.Phe225Leu (NM_001161779.2, NM_001161780.2); c.600T>A, p.Phe200Leu (NM_001161781.2); short protein forms F225L, F200L.
Identifiers: ClinVar variation 1464519 (VCV001464519.5), dbSNP rs541907484, ClinGen allele CA4808719.